The following is an entry in ClinVar:

NM_000075.4(CDK4):c.119C>G (p.Pro40Arg)

Genes: CDK4 (cyclin dependent kinase 4; minus strand), LOC130008148 (ATAC-STARR-seq lymphoblastoid silent region 4588; plus strand). Cytogenetic location: 12q14.1.
Variant type: single nucleotide variant.
Coding change: c.119C>G on transcript NM_000075.4 (MANE Select); coding-DNA position 119, C replaced by G.
Protein change: p.Pro40Arg; replaces proline 40 with arginine.
Molecular consequence: missense variant.
Genome position (GRCh38, 1-based): chr12:57,751,599, G>C on the plus strand (C>G on the coding strand, the complement: CDK4 is on the minus strand). VCF-style: chr12-57751599-G-C. GRCh37 (hg19) VCF-style: chr12-58145382-G-C.
Other names: short protein forms P40R.
Identifiers: ClinVar variation 3361053 (VCV003361053.1).

ClinVar aggregate classification (germline): Uncertain significance (1 of 4 stars; one submission).

Submission:

GeneDx
Classification: Uncertain significance. Last evaluated: 2023-07-10. Review status: criteria provided, single submitter. Criteria: GeneDx Variant Classification Process June 2021. Collection method: clinical testing. Allele origin: germline. Affected: yes.
Comment: Not observed at significant frequency in large population cohorts (gnomAD); In silico analysis supports that this missense variant has a deleterious effect on protein structure/function; Has not been previously published as pathogenic or benign to our knowledge